The following is an entry in ClinVar:

ClinVar aggregate classification (germline): Conflicting classifications of pathogenicity. Review status: criteria provided, conflicting classifications (1 of 4 stars). 6 submissions from 6 submitters: Likely pathogenic (3); Uncertain significance (2). 1 of the submissions does not count toward it. Last evaluated 2025-01-01.

Conditions:
TYR-related disorder. Also called: TYR-related condition.
Oculocutaneous albinism type 1A (OCA1A). Also called: Albinism, oculocutaneous, type IA. Identifiers: Orphanet 352731, Orphanet 79431, MedGen C4551504, MONDO:0008745, OMIM 203100. Disease mechanism: loss of function.
Oculocutaneous albinism type 1B (OCA1B). Also called: YELLOW ALBINISM; ALBINISM, OCULOCUTANEOUS, TYPE IB; ALBINISM, YELLOW MUTANT TYPE. Identifiers: Orphanet 352731, Orphanet 352737, Orphanet 79434, MedGen C1847024, MONDO:0011749, OMIM 606952.

Allele frequency attached by ClinVar (database versions not stated): gnomAD exomes below 0.00001.
gnomAD v4.1: 3 of 1,613,564 alleles (0.00019%); highest among the groups gnomAD compares: Non-Finnish European, 0.00025%; no homozygotes.

Submissions (6):

Laboratory of Genetic Epidemiology, Research Centre for Medical Genetics
Classification: Likely pathogenic for Oculocutaneous albinism type 1A; Oculocutaneous albinism type 1B. Last evaluated: 2025-01-01. Review status: criteria provided, single submitter. Criteria: ACMG Guidelines, 2015. Collection method: clinical testing. Allele origin: paternal. Inheritance: Autosomal recessive inheritance. Affected: yes. Observed: 1 compound heterozygote.
Comment: This variant has been previously reported in the literature (PMIDs: 7955413‚ 7886000) and is not listed in gnomAD v3.1.2. The affected amino acid position is lead to destruction one of the copper binding site (His367). The affected amino acid position is evolutionarily conserved, and multiple in silico prediction tools support a deleterious effect. Taken together, the variant meets the following ACMG/AMP criteria and can be classified as likely pathogenic with PM2, PM1, PM3, PP4 criteria.

PreventionGenetics, part of Exact Sciences
Classification: Likely pathogenic for TYR-related condition. Last evaluated: 2024-12-04. Review status: criteria provided, single submitter. Criteria: ACMG Guidelines, 2015. Collection method: clinical testing. Allele origin: germline.
Comment: The TYR c.1100A>G variant is predicted to result in the amino acid substitution p.His367Arg. This variant has been reported in an individual with oculocutaneous albinism (Oetting and King. 1994. PubMed ID: 7886000). Another variant impacting this amino acid has been reported as pathogenic for TYR-related oculocutaneous albinism (p.His367Tyr, Table S1, Lin. 2024 et al. PubMed ID: 38219857; Breimer et al. 1994. PubMed ID: 7955413); the p.His367Tyr variant results abolishes tyrosinase activity (Breimer et al. 1994. PubMed ID: 7955413). This variant has not been reported in a large population database (gnomAD), indicating this variant is rare. The p.His367Arg variant is interpreted as likely pathogenic.

Labcorp Genetics (formerly Invitae), Labcorp
Classification: Uncertain significance. Last evaluated: 2023-08-27. Review status: criteria provided, single submitter. Criteria: Invitae Variant Classification Sherloc (09022015). Collection method: clinical testing. Allele origin: germline.
Comment: This sequence change replaces histidine, which is basic and polar, with arginine, which is basic and polar, at codon 367 of the TYR protein (p.His367Arg). This variant is not present in population databases (gnomAD no frequency). This missense change has been observed in individual(s) with oculocutaneous albinism (PMID: 7886000; Invitae). ClinVar contains an entry for this variant (Variation ID: 99532). Advanced modeling of protein sequence and biophysical properties (such as structural, functional, and spatial information, amino acid conservation, physicochemical variation, residue mobility, and thermodynamic stability) performed at Invitae indicates that this missense variant is expected to disrupt TYR protein function. This variant disrupts the p.His367 amino acid residue in TYR. Other variant(s) that disrupt this residue have been determined to be pathogenic (PMID: 7955413). This suggests that this residue is clinically significant, and that variants that disrupt this residue are likely to be disease-causing. In summary, the available evidence is currently insufficient to determine the role of this variant in disease. Therefore, it has been classified as a Variant of Uncertain Significance.

Blueprint Genetics
Classification: Uncertain significance. Last evaluated: 2018-04-10. Review status: criteria provided, single submitter. Criteria: ACMG Guidelines, 2015. Collection method: clinical testing. Allele origin: germline.

Genetic Services Laboratory, University of Chicago
Classification: Likely pathogenic for Albinism, oculocutaneous, type IA. Last evaluated: 2016-02-03. Review status: criteria provided, single submitter. Criteria: ACMG Guidelines, 2015. Collection method: clinical testing. Allele origin: germline. Affected: yes.

Retina International
No classification provided. Review status: no classification provided. Collection method: not provided. Allele origin: unknown. Not counted in ClinVar's aggregate classification.

Literature cited by the submitters: PubMed 7955413 (cited by Laboratory of Genetic Epidemiology, Research Centre for Medical Genetics and Labcorp Genetics (formerly Invitae), Labcorp); PubMed 7886000 (cited by Laboratory of Genetic Epidemiology, Research Centre for Medical Genetics and Labcorp Genetics (formerly Invitae), Labcorp); PubMed 41428507 (cited by Laboratory of Genetic Epidemiology, Research Centre for Medical Genetics).

NM_000372.5(TYR):c.1100A>G (p.His367Arg)

Gene: TYR (tyrosinase; plus strand). Cytogenetic location: 11q14.3.
Variant type: single nucleotide variant.
Coding change: c.1100A>G on transcript NM_000372.5 (MANE Select); coding-DNA position 1100, A replaced by G.
Protein change: p.His367Arg; replaces histidine 367 with arginine.
Molecular consequence: missense variant.
Genome position (GRCh38, 1-based): chr11:89,227,886, A>G. VCF-style: chr11-89227886-A-G. GRCh37 (hg19) VCF-style: chr11-88961054-A-G.
Other names: short protein forms H367R.
Identifiers: ClinVar variation 99532 (VCV000099532.12), dbSNP rs61754384, ClinGen allele CA227495.